The following is an entry in ClinVar:

NM_031271.3:c.688G>A

Gene: TEX15 (testis expressed 15, meiosis and synapsis associated; minus strand).
Variant type: single nucleotide variant.
Other names: c.688G>A (NM_031271.3).
Identifiers: ClinVar variation 4594336 (VCV004594336.1).

ClinVar aggregate classification (germline): Uncertain significance (1 of 4 stars; one submission).

Submission:

Ambry Genetics
Classification: Uncertain significance. Last evaluated: 2025-11-06. Review status: criteria provided, single submitter. Criteria: Ambry Variant Classification Scheme 2023. Collection method: clinical testing. Allele origin: germline.
Comment: The c.688G>A (p.E230K) alteration is located in exon 1 (coding exon 1) of the TEX15 gene. This alteration results from a G to A substitution at nucleotide position 688, causing the glutamic acid (E) at amino acid position 230 to be replaced by a lysine (K). Based on data from gnomAD, the A allele has an overall frequency of 0.004% (9/250842) total alleles studied. The highest observed frequency was 0.029% (9/30596) of South Asian alleles. Based on insufficient or conflicting evidence, the clinical significance of this alteration remains unclear.